The following is an entry in ClinVar:

NM_005219.5(DIAPH1):c.*217C>T

Gene: DIAPH1 (diaphanous related formin 1; minus strand). Cytogenetic location: 5q31.3.
Variant type: single nucleotide variant.
Coding change: c.*217C>T on transcript NM_005219.5 (MANE Select); 217 bases downstream of the stop codon, C replaced by T.
Molecular consequence: 3 prime UTR variant.
Genome position (GRCh38, 1-based): chr5:141,516,634, G>A on the plus strand (C>T on the coding strand, the complement: DIAPH1 is on the minus strand). VCF-style: chr5-141516634-G-A. GRCh37 (hg19) VCF-style: chr5-140896201-G-A.
Other names: c.*217C>T (NM_001079812.3); c.*336C>T (NM_001314007.2).
Identifiers: ClinVar variation 351282 (VCV000351282.6), dbSNP rs55934506, ClinGen allele CA10623014.

ClinVar aggregate classification (germline): Likely benign. Review status: criteria provided, multiple submitters, no conflicts (2 of 4 stars). 2 submissions from 2 submitters: Likely benign (2). Last evaluated 2018-01-13.

Conditions:
Autosomal dominant nonsyndromic hearing loss 1. Also called: KONIGSMARK SYNDROME; DEAFNESS, AUTOSOMAL DOMINANT 1, WITH OR WITHOUT THROMBOCYTOPENIA. Identifiers: Orphanet 90635, MedGen C1852282, MONDO:0007424, OMIM 124900.

Allele frequency attached by ClinVar (database versions not stated): 1000 Genomes Project 30x 0.00187; 1000 Genomes Project 0.00200; TOPMed 0.00311; gnomAD 0.00370 and 0.00382.

Submissions (2):

Illumina Laboratory Services, Illumina
Classification: Likely benign for Autosomal dominant nonsyndromic hearing loss 1. Last evaluated: 2018-01-13. Review status: criteria provided, single submitter. Criteria: ICSL Variant Classification Criteria 13 December 2019. Collection method: clinical testing. Allele origin: germline.
Comment: This variant was observed in the ICSL laboratory as part of a predisposition screen in an ostensibly healthy population. It had not been previously curated by ICSL or reported in the Human Gene Mutation Database (HGMD: prior to June 1st, 2018), and was therefore a candidate for classification through an automated scoring system. Utilizing variant allele frequency, disease prevalence and penetrance estimates, and inheritance mode, an automated score was calculated to assess if this variant is too frequent to cause the disease. Based on the score and internal cut-off values, a variant classified as likely benign is not then subjected to further curation. The score for this variant resulted in a classification of likely benign for this disease.

Breakthrough Genomics
Classification: Likely benign. Review status: criteria provided, single submitter. Criteria: ACMG Guidelines, 2015. Collection method: not provided. Allele origin: germline. Inheritance: Autosomal recessive inheritance. Affected: yes.